The following is an entry in ClinVar:

NM_001458.5(FLNC):c.5668+4A>C

Genes: FLNC (filamin C; plus strand), FLNC-AS1 (FLNC antisense RNA 1; minus strand). Cytogenetic location: 7q32.1.
Variant type: single nucleotide variant.
Coding change: c.5668+4A>C on transcript NM_001458.5 (MANE Select); 4 bases into the intron after coding-DNA position 5668, A replaced by C.
Molecular consequence: intron variant.
Genome position (GRCh38, 1-based): chr7:128,851,364, A>C. VCF-style: chr7-128851364-A-C. GRCh37 (hg19) VCF-style: chr7-128491418-A-C.
Other names: c.5569+4A>C (NM_001127487.2).
Identifiers: ClinVar variation 539365 (VCV000539365.9), dbSNP rs1259876470, ClinGen allele CA658797014.

ClinVar aggregate classification (germline): Uncertain significance. Review status: criteria provided, multiple submitters, no conflicts (2 of 4 stars). 2 submissions from 2 submitters: Uncertain significance (2). Last evaluated 2025-05-30.

Conditions:
Cardiovascular phenotype. Identifiers: MedGen CN230736.
Distal myopathy with posterior leg and anterior hand involvement. Also called: WILLIAMS DISTAL MYOPATHY. Identifiers: Orphanet 63273, MedGen C3279722, MONDO:0013550, OMIM 614065.
Myofibrillar myopathy 5. Also called: Filaminopathy (type); FILAMINOPATHY, AUTOSOMAL DOMINANT. Identifiers: Orphanet 171445, MedGen C1836050, MONDO:0012289, OMIM 609524.
Hypertrophic cardiomyopathy 26. Also called: Cardiomyopathy, familial hypertrophic, 26. Identifiers: Orphanet 75249, MedGen C4310749, MONDO:0014883, OMIM 617047.

Allele frequency attached by ClinVar (database versions not stated): gnomAD 0.00001 and 0.00002; TOPMed 0.00002.
gnomAD v4.1: 2 of 1,613,972 alleles (0.00012%); highest among the groups gnomAD compares: African/African-American, 0.0027%; no homozygotes.

Submissions (2):

Labcorp Genetics (formerly Invitae), Labcorp
Classification: Uncertain significance for Distal myopathy with posterior leg and anterior hand involvement; Myofibrillar myopathy 5; Hypertrophic cardiomyopathy 26. Last evaluated: 2025-05-30. Review status: criteria provided, single submitter. Criteria: Invitae Variant Classification Sherloc (09022015). Collection method: clinical testing. Allele origin: germline.
Comment: This sequence change falls in intron 34 of the FLNC gene. It does not directly change the encoded amino acid sequence of the FLNC protein. It affects a nucleotide within the consensus splice site. This variant is not present in population databases (gnomAD no frequency). This variant has not been reported in the literature in individuals affected with FLNC-related conditions. ClinVar contains an entry for this variant (Variation ID: 539365). Variants that disrupt the consensus splice site are a relatively common cause of aberrant splicing (PMID: 17576681, 9536098). Algorithms developed to predict the effect of sequence changes on RNA splicing suggest that this variant is not likely to affect RNA splicing. In summary, the available evidence is currently insufficient to determine the role of this variant in disease. Therefore, it has been classified as a Variant of Uncertain Significance.

Ambry Genetics
Classification: Uncertain significance for Cardiovascular phenotype. Last evaluated: 2025-03-25. Review status: criteria provided, single submitter. Criteria: Ambry Variant Classification Scheme 2023. Collection method: clinical testing. Allele origin: germline.
Comment: The c.5668+4A>C intronic variant results from an A to C substitution 4 nucleotides after coding exon 34 in the FLNC gene. This nucleotide position is well conserved in available vertebrate species. In silico splice site analysis predicts that this alteration will not have any significant effect on splicing. Since supporting evidence is limited at this time, the clinical significance of this alteration remains unclear.

Literature cited by the submitters: PubMed 17576681 (cited by Labcorp Genetics (formerly Invitae), Labcorp); PubMed 9536098 (cited by Labcorp Genetics (formerly Invitae), Labcorp).